The following is an entry in ClinVar:

NM_001277115.2(DNAH11):c.3122G>A (p.Trp1041Ter)

Genes: DNAH11 (dynein axonemal heavy chain 11; plus strand), LOC126859961 (BRD4-independent group 4 enhancer GRCh37_chr7:21639662-21640861; plus strand). Cytogenetic location: 7p15.3.
Variant type: single nucleotide variant.
Coding change: c.3122G>A on transcript NM_001277115.2 (MANE Select); coding-DNA position 3122, G replaced by A.
Protein change: p.Trp1041Ter; replaces tryptophan 1041 with a stop codon.
Molecular consequence: nonsense.
Genome position (GRCh38, 1-based): chr7:21,600,797, G>A. VCF-style: chr7-21600797-G-A. GRCh37 (hg19) VCF-style: chr7-21640415-G-A.
Other names: short protein forms W1041*.
Identifiers: ClinVar variation 238906 (VCV000238906.3), dbSNP rs878854441, ClinGen allele CA10582478.

ClinVar aggregate classification (germline): Pathogenic (1 of 4 stars; one submission).

Conditions:
Primary ciliary dyskinesia. Also called: Ciliary dyskinesia. Identifiers: Orphanet 244, MedGen C0008780, MONDO:0016575, HP:0012265.

Allele frequency attached by ClinVar (database versions not stated): gnomAD exomes below 0.00001.
gnomAD v4.1: 3 of 1,613,896 alleles (0.00019%); highest among the groups gnomAD compares: Non-Finnish European, 0.00017%; no homozygotes.

Submission:

Labcorp Genetics (formerly Invitae), Labcorp
Classification: Pathogenic for Primary ciliary dyskinesia. Last evaluated: 2023-11-06. Review status: criteria provided, single submitter. Criteria: Invitae Variant Classification Sherloc (09022015). Collection method: clinical testing. Allele origin: germline.
Comment: This sequence change creates a premature translational stop signal (p.Trp1041*) in the DNAH11 gene. It is expected to result in an absent or disrupted protein product. Loss-of-function variants in DNAH11 are known to be pathogenic (PMID: 18022865, 20513915, 22184204). This variant is not present in population databases (gnomAD no frequency). This variant has not been reported in the literature in individuals affected with DNAH11-related conditions. ClinVar contains an entry for this variant (Variation ID: 238906). For these reasons, this variant has been classified as Pathogenic.

Literature cited by the submitters: PubMed 18022865; PubMed 20513915; PubMed 22184204.